The following is an entry in ClinVar:

NM_022455.5(NSD1):c.2431A>G (p.Ser811Gly)

Gene: NSD1 (nuclear receptor binding SET domain protein 1; plus strand). Cytogenetic location: 5q35.3.
Variant type: single nucleotide variant.
Coding change: c.2431A>G on transcript NM_022455.5 (MANE Select); coding-DNA position 2431, A replaced by G.
Protein change: p.Ser811Gly; replaces serine 811 with glycine.
Molecular consequence: missense variant.
Genome position (GRCh38, 1-based): chr5:177,210,830, A>G. VCF-style: chr5-177210830-A-G. GRCh37 (hg19) VCF-style: chr5-176637831-A-G.
Other names: c.1558A>G, p.Ser520Gly (NM_001409307.1, NM_001409308.1, NM_001409309.1 and 3 more transcripts); c.2431A>G, p.Ser811Gly (NM_001409301.1, NM_001409302.1, NM_001409303.1); c.2011A>G, p.Ser671Gly (NM_001409304.1); c.1678A>G, p.Ser560Gly (NM_001409305.1); short protein forms S811G, S520G, S560G, S671G.
Identifiers: ClinVar variation 5025870 (VCV005025870.1).

ClinVar aggregate classification (germline): Uncertain significance (1 of 4 stars; one submission).

Conditions:
Inborn genetic diseases. Identifiers: MedGen C0950123, MeSH D030342.

gnomAD v4.1: 1 of 1,614,228 alleles (0.000062%); highest among the groups gnomAD compares: Non-Finnish European, 0.000085%; no homozygotes.

Submission:

Ambry Genetics
Classification: Uncertain significance for Inborn genetic diseases. Last evaluated: 2026-07-29. Review status: criteria provided, single submitter. Criteria: Ambry Variant Classification Scheme 2023. Collection method: clinical testing. Allele origin: germline.
Comment: The c.2431A>G (p.S811G) alteration is located in exon 5 (coding exon 4) of the NSD1 gene. This alteration results from a A to G substitution at nucleotide position 2431, causing the serine (S) at amino acid position 811 to be replaced by a glycine (G). Based on data from gnomAD, the G allele has an overall frequency of <0.001% (1/251316) total alleles studied. The highest observed frequency was 0.001% (1/113652) of European (non-Finnish) alleles. Based on insufficient or conflicting evidence, the clinical significance of this alteration remains unclear.